The following is an entry in ClinVar:

NM_024747.6(HPS6):c.335G>A (p.Trp112Ter)

Gene: HPS6 (HPS6 biogenesis of lysosomal organelles complex 2 subunit 3; plus strand). Cytogenetic location: 10q24.32.
Variant type: single nucleotide variant.
Coding change: c.335G>A on transcript NM_024747.6 (MANE Select); coding-DNA position 335, G replaced by A.
Protein change: p.Trp112Ter; replaces tryptophan 112 with a stop codon.
Molecular consequence: nonsense.
Genome position (GRCh38, 1-based): chr10:102,065,809, G>A. VCF-style: chr10-102065809-G-A. GRCh37 (hg19) VCF-style: chr10-103825566-G-A.
Other names: short protein forms W112*.
Identifiers: ClinVar variation 996366 (VCV000996366.4), dbSNP rs2067964057, ClinGen allele CA377856177.

ClinVar aggregate classification (germline): Pathogenic. Review status: criteria provided, single submitter (1 of 4 stars). 2 submissions from 2 submitters: Pathogenic (1). 1 of the submissions does not count toward it. Last evaluated 2023-05-02.

Conditions:
Hermansky-Pudlak syndrome 6 (HPS6). Identifiers: Orphanet 231512, Orphanet 79430, MedGen C3888007, MONDO:0013558, OMIM 614075.

Submissions (2):

Labcorp Genetics (formerly Invitae), Labcorp
Classification: Pathogenic. Last evaluated: 2023-05-02. Review status: criteria provided, single submitter. Criteria: Invitae Variant Classification Sherloc (09022015). Collection method: clinical testing. Allele origin: germline.
Comment: This sequence change creates a premature translational stop signal (p.Trp112*) in the HPS6 gene. While this is not anticipated to result in nonsense mediated decay, it is expected to disrupt the last 664 amino acid(s) of the HPS6 protein. For these reasons, this variant has been classified as Pathogenic. This variant disrupts a region of the HPS6 protein in which other variant(s) (p.Gln680*) have been determined to be pathogenic (PMID: 27225848, 29054114). This suggests that this is a clinically significant region of the protein, and that variants that disrupt it are likely to be disease-causing. ClinVar contains an entry for this variant (Variation ID: 996366). This premature translational stop signal has been observed in individual(s) with Hermansky-Pudlak syndrome (PMID: 33878481). In at least one individual the data is consistent with being in trans (on the opposite chromosome) from a pathogenic variant. This variant is not present in population databases (gnomAD no frequency).

Genetics and Prenatal Diagnosis Center, The First Affiliated Hospital of Zhengzhou University
Classification: Likely pathogenic for Hermansky-Pudlak syndrome 6. Last evaluated: 2020-11-13. Review status: no assertion criteria provided. Collection method: clinical testing. Allele origin: germline. Affected: yes. Not counted in ClinVar's aggregate classification.

Literature cited by the submitters: PubMed 27225848 (cited by Labcorp Genetics (formerly Invitae), Labcorp); PubMed 29054114 (cited by Labcorp Genetics (formerly Invitae), Labcorp); PubMed 33878481 (cited by Labcorp Genetics (formerly Invitae), Labcorp).